The following is an entry in ClinVar:

NM_004168.4(SDHA):c.891T>C (p.Pro297=)

Gene: SDHA (succinate dehydrogenase complex flavoprotein subunit A; plus strand). Cytogenetic location: 5p15.33.
Variant type: single nucleotide variant.
Coding change: c.891T>C on transcript NM_004168.4 (MANE Select); coding-DNA position 891, T replaced by C.
Protein change: p.Pro297=; no amino-acid change (proline 297 retained).
Molecular consequence: synonymous variant.
Genome position (GRCh38, 1-based): chr5:230,996, T>C. VCF-style: chr5-230996-T-C. GRCh37 (hg19) VCF-style: chr5-231111-T-C.
Other names: p.Pro297=; c.747T>C, p.Pro249= (NM_001294332.2); c.891T>C, p.Pro297= (NM_001330758.2).
Identifiers: ClinVar variation 130283 (VCV000130283.46), dbSNP rs1126417, ClinGen allele CA155160.
Genomic context (GRCh38, chr5:230,996, plus strand): 5'-GGCCATGATCACCAGGGCAGGCCTTCCTTGCCAGGACCTAGAGTTTGTTCAGTTCCACCC[T>C]ACAGGTAGGGCAGGACGCCTTGCCCGGCAGGTGTTTGGCTTGTGTGTGTCTTGTAAGCAT-3'
Protein context (NP_004159.2, residues 287-307): CQDLEFVQFH[Pro297=]TGIYGAGCLI

ClinVar aggregate classification (germline): Benign. Review status: criteria provided, multiple submitters, no conflicts (2 of 4 stars). 21 submissions from 17 submitters: Benign (18). 3 of the submissions do not count toward it. Last evaluated 2026-02-04.

Conditions:
Pheochromocytoma/paraganglioma syndrome 5. Also called: SDHA-Related Hereditary Paraganglioma-Pheochromocytoma Syndrome; Paragangliomas 5. Identifiers: Orphanet 29072, MedGen C3279992, MONDO:0013602, OMIM 614165.
Hereditary pheochromocytoma and paraganglioma. Also called: Hereditary Paraganglioma-Pheochromocytoma Syndromes; Hereditary paragangliomas and pheochromocytomas; Hereditary pheochromocytoma-paraganglioma. Identifiers: Orphanet 29072, MedGen C4274332, MONDO:0017366.
Dilated cardiomyopathy 1GG (CMD1GG). Identifiers: Orphanet 154, MedGen C3150898, MONDO:0013339, OMIM 613642.
Leigh syndrome (NULS). Also called: Leigh Disease; Subacute necrotizing encephalopathy; Necrotizing encephalopathy infantile subacute of Leigh; Leigh's necrotizing encephalopathy; Leigh's disease; Leigh Syndrome (mtDNA deletion). Identifiers: Orphanet 506, MedGen C2931891, MONDO:0009723, OMIM 256000.
Mitochondrial complex II deficiency, nuclear type 1. Also called: SUCCINATE CoQ REDUCTASE DEFICIENCY. Identifiers: Orphanet 3208, MedGen C5700310, MONDO:0100294, OMIM 252011.
Neurodegeneration with ataxia and late-onset optic atrophy. Identifiers: MedGen C5543254, MONDO:0031006, OMIM 619259.
Hereditary cancer-predisposing syndrome. Also called: Tumor predisposition; Hereditary neoplastic syndrome; Neoplastic Syndromes, Hereditary; Hereditary Cancer Syndrome. Identifiers: Orphanet 140162, MedGen C0027672, MeSH D009386, MONDO:0015356.

Allele frequency attached by ClinVar (database versions not stated): 1000 Genomes Project 0.65335; 1000 Genomes Project 30x 0.65896; gnomAD exomes 0.70030; ExAC 0.70783; TOPMed 0.73503; gnomAD 0.74006 and 0.74998; ESP Exome Variant Server 0.76869.
gnomAD v4.1: 1,196,931 of 1,613,450 alleles (74%); highest among the groups gnomAD compares: African/African-American, 78%; 449,173 homozygotes.

Submissions (21):

Labcorp Genetics (formerly Invitae), Labcorp
Classification: Benign for Pheochromocytoma/paraganglioma syndrome 5; Mitochondrial complex II deficiency, nuclear type 1. Last evaluated: 2026-02-04. Review status: criteria provided, single submitter. Criteria: Invitae Variant Classification Sherloc (09022015). Collection method: clinical testing. Allele origin: germline.

Myriad Genetics, Inc.
Classification: Benign for Pheochromocytoma/paraganglioma syndrome 5. Last evaluated: 2025-03-03. Review status: criteria provided, single submitter. Criteria: Myriad Autosomal Dominant, Autosomal Recessive and X-Linked Classification Criteria (2023). Collection method: clinical testing. Allele origin: unknown.
Comment: This variant is considered benign. This variant is a silent/synonymous amino acid change and it is not expected to impact splicing.

Hereditary Cancer Laboratory, Hospital Universitario 12 de Octubre
Classification: Benign for Hereditary cancer-predisposing syndrome. Last evaluated: 2025-01-08. Review status: criteria provided, single submitter. Criteria: ACMG Guidelines, 2015. Collection method: clinical testing. Allele origin: germline.
Comment: BA1+BP6+BP7

Blueprint Genetics
Classification: Benign. Last evaluated: 2024-11-26. Review status: criteria provided, single submitter. Criteria: ACMG Guidelines, 2015. Collection method: clinical testing. Allele origin: germline.

KCCC/NGS Laboratory, Kuwait Cancer Control Center
Classification: Benign for Pheochromocytoma/paraganglioma syndrome 5. Last evaluated: 2023-07-07. Review status: criteria provided, single submitter. Criteria: ACMG Guidelines, 2015. Collection method: clinical testing. Allele origin: germline. Affected: yes.

Mayo Clinic Laboratories, Mayo Clinic
Classification: Benign. Last evaluated: 2022-05-01. Review status: criteria provided, single submitter. Criteria: ACMG Guidelines, 2015. Collection method: clinical testing. Allele origin: germline. Observed: 1,469 variant alleles.

Genome-Nilou Lab
Classification: Benign for Dilated cardiomyopathy 1GG. Last evaluated: 2021-07-14. Review status: criteria provided, single submitter. Criteria: ACMG Guidelines, 2015. Collection method: clinical testing. Allele origin: germline. Affected: no.

Genome-Nilou Lab
Classification: Benign for Mitochondrial complex II deficiency, nuclear type 1. Last evaluated: 2021-07-14. Review status: criteria provided, single submitter. Criteria: ACMG Guidelines, 2015. Collection method: clinical testing. Allele origin: germline. Affected: no.

Genome-Nilou Lab
Classification: Benign for Neurodegeneration with ataxia and late-onset optic atrophy. Last evaluated: 2021-07-14. Review status: criteria provided, single submitter. Criteria: ACMG Guidelines, 2015. Collection method: clinical testing. Allele origin: germline. Affected: no.

ARUP Laboratories, Molecular Genetics and Genomics, ARUP Laboratories
Classification: Benign. Last evaluated: 2021-02-09. Review status: criteria provided, single submitter. Criteria: ARUP Molecular Germline Variant Investigation Process 2021. Collection method: clinical testing. Allele origin: germline.

Illumina Laboratory Services, Illumina
Classification: Benign for Mitochondrial complex II deficiency, nuclear type 1. Last evaluated: 2018-01-13. Review status: criteria provided, single submitter. Criteria: ICSL Variant Classification Criteria 13 December 2019. Collection method: clinical testing. Allele origin: germline.
Comment: This variant was observed in the ICSL laboratory as part of a predisposition screen in an ostensibly healthy population. It had not been previously curated by ICSL or reported in the Human Gene Mutation Database (HGMD: prior to June 1st, 2018), and was therefore a candidate for classification through an automated scoring system. Utilizing variant allele frequency, disease prevalence and penetrance estimates, and inheritance mode, an automated score was calculated to assess if this variant is too frequent to cause the disease. Based on the score and internal cut-off values, a variant classified as benign is not then subjected to further curation. The score for this variant resulted in a classification of benign for this disease.

Illumina Laboratory Services, Illumina
Classification: Benign for Leigh syndrome. Last evaluated: 2018-01-13. Review status: criteria provided, single submitter. Criteria: ICSL Variant Classification Criteria 13 December 2019. Collection method: clinical testing. Allele origin: germline.
Comment: the same text as in the submission from Illumina Laboratory Services, Illumina above.

Illumina Laboratory Services, Illumina
Classification: Benign for Hereditary Paraganglioma-Pheochromocytoma Syndromes. Last evaluated: 2018-01-13. Review status: criteria provided, single submitter. Criteria: ICSL Variant Classification Criteria 13 December 2019. Collection method: clinical testing. Allele origin: germline.
Comment: the same text as in the submission from Illumina Laboratory Services, Illumina above.

Laboratory for Molecular Medicine, Mass General Brigham Personalized Medicine
Classification: Benign. Last evaluated: 2016-03-29. Review status: criteria provided, single submitter. Criteria: LMM Criteria. Collection method: clinical testing. Allele origin: germline.
Comment: Variant identified in a genome or exome case(s) and assessed due to predicted null impact of the variant or pathogenic assertions in the literature or databases. Disclaimer: This variant has not undergone full assessment. The following are preliminary notes: Frequency

GeneDx
Classification: Benign. Last evaluated: 2015-03-03. Review status: criteria provided, single submitter. Criteria: GeneDx Variant Classification Process June 2021. Collection method: clinical testing. Allele origin: germline. Affected: yes.

Ambry Genetics
Classification: Benign for Hereditary cancer-predisposing syndrome. Last evaluated: 2014-11-18. Review status: criteria provided, single submitter. Criteria: Ambry Variant Classification Scheme 2023. Collection method: clinical testing. Allele origin: germline.

Breakthrough Genomics
Classification: Benign. Review status: criteria provided, single submitter. Criteria: ACMG Guidelines, 2015. Collection method: not provided. Allele origin: germline. Inheritance: Autosomal recessive inheritance. Affected: yes.

PreventionGenetics, part of Exact Sciences
Classification: Benign. Review status: criteria provided, single submitter. Criteria: ACMG Guidelines, 2015. Collection method: clinical testing. Allele origin: germline.

Diagnostic Laboratory, Department of Genetics, University Medical Center Groningen
Classification: Benign. Review status: no assertion criteria provided. Collection method: clinical testing. Allele origin: germline. Affected: yes. Study: VKGL Data-share Consensus. Not counted in ClinVar's aggregate classification.

Genetic Services Laboratory, University of Chicago
Classification: Likely benign for AllHighlyPenetrant. Review status: no assertion criteria provided. Collection method: clinical testing. Allele origin: germline. Not counted in ClinVar's aggregate classification.
Comment: Likely benign based on allele frequency in 1000 Genomes Project or ESP global frequency and its presence in a patient with a rare or unrelated disease phenotype. NOT Sanger confirmed.

Joint Genome Diagnostic Labs from Nijmegen and Maastricht, Radboudumc and MUMC+
Classification: Benign. Review status: no assertion criteria provided. Collection method: clinical testing. Allele origin: germline. Affected: yes. Study: VKGL Data-share Consensus. Not counted in ClinVar's aggregate classification.